The following is an entry in ClinVar:

NM_025265.4(TSEN2):c.628G>A (p.Val210Met)

Gene: TSEN2 (tRNA splicing endonuclease subunit 2; plus strand). Cytogenetic location: 3p25.2.
Variant type: single nucleotide variant.
Coding change: c.628G>A on transcript NM_025265.4 (MANE Select); coding-DNA position 628, G replaced by A.
Protein change: p.Val210Met; replaces valine 210 with methionine.
Molecular consequence: missense variant. On other transcripts: non-coding transcript variant (1), intron variant (1).
Genome position (GRCh38, 1-based): chr3:12,503,581, G>A. VCF-style: chr3-12503581-G-A. GRCh37 (hg19) VCF-style: chr3-12545080-G-A.
Other names: c.628G>A (NM_025265.3); c.628G>A, p.Val210Met (NM_001145392.2, NM_001145393.3, NM_001321277.2 and 2 more transcripts); c.517-66G>A (NM_001145394.2); short protein forms V210M.
Identifiers: ClinVar variation 2413615 (VCV002413615.7), dbSNP rs186223564, ClinGen allele CA2258555.

ClinVar aggregate classification (germline): Uncertain significance. Review status: criteria provided, multiple submitters, no conflicts (2 of 4 stars). 2 submissions from 2 submitters: Uncertain significance (2). Last evaluated 2026-01-26.

Conditions:
Inborn genetic diseases. Identifiers: MedGen C0950123, MeSH D030342.

Allele frequency attached by ClinVar (database versions not stated): ExAC 0.00001; gnomAD exomes 0.00001; gnomAD 0.00002; TOPMed 0.00002; 1000 Genomes Project 30x 0.00016; 1000 Genomes Project 0.00020.
gnomAD v4.1: 17 of 1,602,108 alleles (0.0011%); highest among the groups gnomAD compares: Admixed American, 0.0067%; no homozygotes.

Submissions (2):

Labcorp Genetics (formerly Invitae), Labcorp
Classification: Uncertain significance. Last evaluated: 2026-01-26. Review status: criteria provided, single submitter. Criteria: Invitae Variant Classification Sherloc (09022015). Collection method: clinical testing. Allele origin: germline.
Comment: This sequence change replaces valine, which is neutral and non-polar, with methionine, which is neutral and non-polar, at codon 210 of the TSEN2 protein (p.Val210Met). This variant is present in population databases (rs186223564, gnomAD 0.007%). This variant has not been reported in the literature in individuals affected with TSEN2-related conditions. ClinVar contains an entry for this variant (Variation ID: 2413615). An algorithm developed to predict the effect of missense changes on protein structure and function outputs the following: PolyPhen-2: "Benign". The methionine amino acid residue is found in multiple mammalian species, which suggests that this missense change does not adversely affect protein function. In summary, the available evidence is currently insufficient to determine the role of this variant in disease. Therefore, it has been classified as a Variant of Uncertain Significance.

Ambry Genetics
Classification: Uncertain significance for Inborn genetic diseases. Last evaluated: 2025-11-26. Review status: criteria provided, single submitter. Criteria: Ambry Variant Classification Scheme 2023. Collection method: clinical testing. Allele origin: germline.